The following is an entry in ClinVar:

ClinVar aggregate classification (germline): Uncertain significance. Review status: criteria provided, multiple submitters, no conflicts (2 of 4 stars). 2 submissions from 2 submitters: Uncertain significance (2). Last evaluated 2025-09-28.

gnomAD v4.1: 33 of 1,613,792 alleles (0.002%); highest among the groups gnomAD compares: Middle Eastern, 0.05%; no homozygotes.

Submissions (2):

Ambry Genetics
Classification: Uncertain significance. Last evaluated: 2025-09-28. Review status: criteria provided, single submitter. Criteria: Ambry Variant Classification Scheme 2023. Collection method: clinical testing. Allele origin: germline.

Labcorp Genetics (formerly Invitae), Labcorp
Classification: Uncertain significance. Last evaluated: 2024-08-27. Review status: criteria provided, single submitter. Criteria: Invitae Variant Classification Sherloc (09022015). Collection method: clinical testing. Allele origin: germline.
Comment: This sequence change replaces alanine, which is neutral and non-polar, with proline, which is neutral and non-polar, at codon 732 of the NYNRIN protein (p.Ala732Pro). This variant is present in population databases (rs376464969, gnomAD 0.003%). This variant has not been reported in the literature in individuals affected with NYNRIN-related conditions. Experimental studies and prediction algorithms are not available or were not evaluated, and the functional significance of this variant is currently unknown. In summary, the available evidence is currently insufficient to determine the role of this variant in disease. Therefore, it has been classified as a Variant of Uncertain Significance.

NM_025081.3(NYNRIN):c.2194G>C (p.Ala732Pro)

Gene: NYNRIN (NYN domain and retroviral integrase containing; plus strand). Cytogenetic location: 14q12.
Variant type: single nucleotide variant.
Coding change: c.2194G>C on transcript NM_025081.3 (MANE Select); coding-DNA position 2194, G replaced by C.
Protein change: p.Ala732Pro; replaces alanine 732 with proline.
Molecular consequence: missense variant.
Genome position (GRCh38, 1-based): chr14:24,409,988, G>C. VCF-style: chr14-24409988-G-C. GRCh37 (hg19) VCF-style: chr14-24879194-G-C.
Other names: c.2194G>C (NM_025081.2); short protein forms A732P.
Identifiers: ClinVar variation 3631500 (VCV003631500.3).